The following is an entry in ClinVar:

NM_005188.4(CBL):c.634G>A (p.Val212Met)

Gene: CBL (Cbl proto-oncogene; plus strand). Cytogenetic location: 11q23.3.
Variant type: single nucleotide variant.
Coding change: c.634G>A on transcript NM_005188.4 (MANE Select); coding-DNA position 634, G replaced by A.
Protein change: p.Val212Met; replaces valine 212 with methionine.
Molecular consequence: missense variant.
Genome position (GRCh38, 1-based): chr11:119,273,911, G>A. VCF-style: chr11-119273911-G-A. GRCh37 (hg19) VCF-style: chr11-119144621-G-A.
Other names: c.634G>A (NM_005188.2); short protein forms V212M.
Identifiers: ClinVar variation 2724313 (VCV002724313.4), dbSNP rs775309469, ClinGen allele CA6318322.

ClinVar aggregate classification (germline): Uncertain significance. Review status: criteria provided, multiple submitters, no conflicts (2 of 4 stars). 2 submissions from 2 submitters: Uncertain significance (2). Last evaluated 2025-10-25.

Conditions:
Cardiovascular phenotype. Identifiers: MedGen CN230736.
RASopathy. Also called: Noonan spectrum disorder; rasopathies. Identifiers: Orphanet 536391, MedGen C5555857, MONDO:0021060.

Allele frequency attached by ClinVar (database versions not stated): gnomAD exomes below 0.00001; ExAC 0.00001.
gnomAD v4.1: 1 of 1,614,076 alleles (0.000062%); highest among the groups gnomAD compares: Non-Finnish European, 0.000085%; no homozygotes.

Submissions (2):

Ambry Genetics
Classification: Uncertain significance for Cardiovascular phenotype. Last evaluated: 2025-10-25. Review status: criteria provided, single submitter. Criteria: Ambry Variant Classification Scheme 2023. Collection method: clinical testing. Allele origin: germline.
Comment: The p.V212M variant (also known as c.634G>A), located in coding exon 4 of the CBL gene, results from a G to A substitution at nucleotide position 634. The valine at codon 212 is replaced by methionine, an amino acid with highly similar properties. This amino acid position is conserved. In addition, the in silico prediction for this alteration is inconclusive. Based on the available evidence, the clinical significance of this variant remains unclear.

Labcorp Genetics (formerly Invitae), Labcorp
Classification: Uncertain significance for RASopathy. Last evaluated: 2024-10-15. Review status: criteria provided, single submitter. Criteria: Invitae Variant Classification Sherloc (09022015). Collection method: clinical testing. Allele origin: germline.
Comment: This sequence change replaces valine, which is neutral and non-polar, with methionine, which is neutral and non-polar, at codon 212 of the CBL protein (p.Val212Met). This variant is present in population databases (rs775309469, gnomAD 0.0009%). This variant has not been reported in the literature in individuals affected with CBL-related conditions. Invitae Evidence Modeling of protein sequence and biophysical properties (such as structural, functional, and spatial information, amino acid conservation, physicochemical variation, residue mobility, and thermodynamic stability) indicates that this missense variant is not expected to disrupt CBL protein function with a negative predictive value of 95%. In summary, the available evidence is currently insufficient to determine the role of this variant in disease. Therefore, it has been classified as a Variant of Uncertain Significance.